The following is an entry in ClinVar:

ClinVar aggregate classification (germline): Conflicting classifications of pathogenicity. Review status: criteria provided, conflicting classifications (1 of 4 stars). 3 submissions from 3 submitters: Uncertain significance (2); Likely benign (1). Last evaluated 2025-08-11.

Conditions:
Inborn genetic diseases. Identifiers: MedGen C0950123, MeSH D030342.
Short stature due to growth hormone secretagogue receptor deficiency (GHDP). Also called: Short stature due to GHSR deficiency. Identifiers: Orphanet 314811, MedGen C5887324, MONDO:0014403, OMIM 615925.

Allele frequency attached by ClinVar (database versions not stated): TOPMed 0.00008; gnomAD 0.00009; gnomAD exomes 0.00009 and 0.00011; ExAC 0.00014.
gnomAD v4.1: 148 of 1,613,066 alleles (0.0092%); highest among the groups gnomAD compares: Non-Finnish European, 0.0037%; no homozygotes.

Submissions (3):

Labcorp Genetics (formerly Invitae), Labcorp
Classification: Likely benign. Last evaluated: 2025-08-11. Review status: criteria provided, single submitter. Criteria: Invitae Variant Classification Sherloc (09022015). Collection method: clinical testing. Allele origin: germline.

Ambry Genetics
Classification: Uncertain significance for Inborn genetic diseases. Last evaluated: 2022-06-28. Review status: criteria provided, single submitter. Criteria: Ambry Variant Classification Scheme 2023. Collection method: clinical testing. Allele origin: germline.
Comment: The c.823T>C (p.C275R) alteration is located in exon 2 (coding exon 2) of the GHSR gene. This alteration results from a T to C substitution at nucleotide position 823, causing the cysteine (C) at amino acid position 275 to be replaced by an arginine (R). Based on data from gnomAD, the C allele has an overall frequency of 0.01% (30/281828) total alleles studied. The highest observed frequency was 0.22% (23/10346) of Ashkenazi Jewish alleles. This amino acid position is highly conserved in available vertebrate species. The in silico prediction for this alteration is inconclusive. Based on insufficient or conflicting evidence, the clinical significance of this alteration remains unclear.

Illumina Laboratory Services, Illumina
Classification: Uncertain significance for Short stature due to growth hormone secretagogue receptor deficiency. Last evaluated: 2018-01-13. Review status: criteria provided, single submitter. Criteria: ICSL Variant Classification Criteria 13 December 2019. Collection method: clinical testing. Allele origin: germline.

NM_198407.2(GHSR):c.823T>C (p.Cys275Arg)

Gene: GHSR (growth hormone secretagogue receptor; minus strand). Cytogenetic location: 3q26.31.
Variant type: single nucleotide variant.
Coding change: c.823T>C on transcript NM_198407.2 (MANE Select); coding-DNA position 823, T replaced by C.
Protein change: p.Cys275Arg; replaces cysteine 275 with arginine.
Molecular consequence: missense variant.
Genome position (GRCh38, 1-based): chr3:172,445,439, A>G on the plus strand (T>C on the coding strand, the complement: GHSR is on the minus strand). VCF-style: chr3-172445439-A-G. GRCh37 (hg19) VCF-style: chr3-172163229-A-G.
Other names: short protein forms C275R.
Identifiers: ClinVar variation 900225 (VCV000900225.12), dbSNP rs199599995, ClinGen allele CA2706355.